The following is an entry in ClinVar:

ClinVar aggregate classification (germline): Uncertain significance (1 of 4 stars; one submission).

Submission:

Labcorp Genetics (formerly Invitae), Labcorp
Classification: Uncertain significance. Last evaluated: 2022-08-09. Review status: criteria provided, single submitter. Criteria: Invitae Variant Classification Sherloc (09022015). Collection method: clinical testing. Allele origin: germline.
Comment: This sequence change replaces cysteine, which is neutral and slightly polar, with tyrosine, which is neutral and polar, at codon 404 of the FAM161A protein (p.Cys404Tyr). This variant is present in population databases (no rsID available, gnomAD 0.9%). This variant has not been reported in the literature in individuals affected with FAM161A-related conditions. ClinVar contains an entry for this variant (Variation ID: 858331). Algorithms developed to predict the effect of missense changes on protein structure and function output the following: SIFT: "Not Available"; PolyPhen-2: "Benign"; Align-GVGD: "Not Available". The tyrosine amino acid residue is found in multiple mammalian species, which suggests that this missense change does not adversely affect protein function. In summary, the available evidence is currently insufficient to determine the role of this variant in disease. Therefore, it has been classified as a Variant of Uncertain Significance.

NM_001201543.2(FAM161A):c.1211_1212inv (p.Cys404Tyr)

Gene: FAM161A (FAM161 centrosomal protein A; minus strand). Cytogenetic location: 2p15.
Variant type: Inversion.
Coding change: c.1211_1212inv on transcript NM_001201543.2 (MANE Select).
Protein change: p.Cys404Tyr; replaces cysteine 404 with tyrosine.
Molecular consequence: missense variant. On other transcripts: non-coding transcript variant (1).
Genome position: GRCh38 VCF-style: chr2-61839792-AC-GT. GRCh37 (hg19) VCF-style: chr2-62066927-AC-GT.
Other names: c.1211_1212inv, p.Cys404Tyr (NM_032180.3); short protein forms C404Y.
Identifiers: ClinVar variation 858331 (VCV000858331.4), ClinGen allele CA916082534.
Genomic context (GRCh38, chr2:61,839,792, plus strand): 5'-AACCTTGTGTTTACACTTCAACTTTACAGCCTGTTCAGGACACCTGGGGTTCCTGCATCC[AC>GT]AAGCTGACCTACAAGGCAGAGGAGATGAGTTCTGTAAATGCTCCTGGGCTCTCAGCTGTG-3'
Protein context (NP_001188472.1, residues 394-414): NSSPLPCRSA[Cys404Tyr]GCRNPRCPEQ